The following is an entry in ClinVar:

ClinVar aggregate classification (germline): Pathogenic (1 of 4 stars; one submission).

Conditions:
Deficiency of hyaluronoglucosaminidase (MPS9). Also called: HYALURONIDASE DEFICIENCY; MPS IX; Mucopolysaccharidosis type 9. Identifiers: Orphanet 67041, MedGen C1291490, MONDO:0011093, OMIM 601492.

Submission:

Labcorp Genetics (formerly Invitae), Labcorp
Classification: Pathogenic for Deficiency of hyaluronoglucosaminidase. Last evaluated: 2023-07-19. Review status: criteria provided, single submitter. Criteria: Invitae Variant Classification Sherloc (09022015). Collection method: clinical testing. Allele origin: germline.
Comment: This sequence change creates a premature translational stop signal (p.Glu90Serfs*13) in the HYAL1 gene. It is expected to result in an absent or disrupted protein product. Loss-of-function variants in HYAL1 are known to be pathogenic (PMID: 10339581, 21559944). This variant is not present in population databases (gnomAD no frequency). This variant has not been reported in the literature in individuals affected with HYAL1-related conditions. For these reasons, this variant has been classified as Pathogenic.

Literature cited by the submitters: PubMed 10339581; PubMed 21559944.

NM_033159.4(HYAL1):c.268del (p.Glu90fs)

Gene: HYAL1 (hyaluronidase 1; minus strand). Cytogenetic location: 3p21.31.
Variant type: Deletion.
Coding change: c.268del on transcript NM_033159.4 (MANE Select); coding-DNA position 268, one base deleted (G; older notation c.268delG).
Protein change: p.Glu90fs; shifts the reading frame from glutamic acid 90.
Molecular consequence: frameshift variant. On other transcripts: non-coding transcript variant (1), intron variant (2).
Genome position (GRCh38, 1-based): chr3:50,302,689, C deleted on the plus strand (G on the coding strand, the reverse complement: HYAL1 is on the minus strand); the first of 4 consecutive C bases (chr3:50,302,689-50,302,692); deleting any one gives the same sequence. VCF-style (leftmost placement, unchanged base first): chr3-50302688-TC-T. GRCh37 (hg19) VCF-style: chr3-50340119-TC-T.
Other names: c.265delG, p.Glu90Serfs (NM_007312.3); c.268del, p.Glu90fs (NM_153281.2, NM_153282.3); c.-26-484del (NM_153285.3); c.-213-66del (NM_153283.3); short protein forms E90fs.
Identifiers: ClinVar variation 2745132 (VCV002745132.3), dbSNP rs2470852095, ClinGen allele CA2697550974.
Genomic context (GRCh38, chr3:50,302,688, plus strand): 5'-AATGTGCGGGCCAGGTGGGCAATCAGGCTGGCATTCTGGGGCAGACCACCAAACACAGGC[TC>T]CCCAGTGGGCGTGTAGTAGGGGTAGGTGCCCAGCTGGGAGCTATAGAAAATTGTCATGTC-3'